The following is an entry in ClinVar:

NM_000478.6(ALPL):c.1356G>A (p.Glu452=)

Gene: ALPL (alkaline phosphatase, biomineralization associated; plus strand). Cytogenetic location: 1p36.12.
Variant type: single nucleotide variant.
Coding change: c.1356G>A on transcript NM_000478.6 (MANE Select); coding-DNA position 1356, G replaced by A.
Protein change: p.Glu452=; no amino-acid change (glutamic acid 452 retained).
Molecular consequence: synonymous variant.
Genome position (GRCh38, 1-based): chr1:21,577,429, G>A. VCF-style: chr1-21577429-G-A. GRCh37 (hg19) VCF-style: chr1-21903922-G-A.
Other names: c.1125G>A, p.Glu375= (NM_001177520.3); c.1356G>A, p.Glu452= (NM_001369803.2, NM_001369804.2, NM_001369805.2); c.1191G>A, p.Glu397= (NM_001127501.4).
Identifiers: ClinVar variation 3897704 (VCV003897704.2).

ClinVar aggregate classification (germline): Conflicting classifications of pathogenicity. Review status: criteria provided, conflicting classifications (1 of 4 stars). 2 submissions from 2 submitters: Uncertain significance (1); Likely benign (1). Last evaluated 2026-09-01.

Conditions:
Hypophosphatasia. Also called: Phosphoethanol-aminuria. Identifiers: Orphanet 436, MedGen C0020630, MeSH D007014, MONDO:0018570.

Submissions (2):

Genomenon, Inc
Classification: Likely benign for Hypophosphatasia. Last evaluated: 2026-09-01. Review status: criteria provided, single submitter. Criteria: Genomenon Sequence Variant Interpretation Standards - Updated. Collection method: curation. Allele origin: germline. Affected: yes.
Comment: ALPL c.1356G>A is a synonymous variant that retains Glutamic acid at codon 452. This variant has been observed in at least one proband affected with an ALPL-related disorder (PMID:38884565). It is absent or not present at a significant frequency in gnomAD. This variant is not predicted to impact splicing. In conclusion, we classify ALPL p.Glu452= (c.1356G>A) as a likely benign variant.

JKU Lab, Dept of Paediatrics, Johannes Kepler University
Classification: Uncertain significance for Hypophosphatasia. Last evaluated: 2025-04-24. Review status: criteria provided, single submitter. Criteria: ACMG Guidelines, 2015. Collection method: clinical testing. Allele origin: germline. Affected: yes.
Comment: This synonymous variant is not present in GnomAD 4.0 and affects a highly conserved amino acid in the homodimeric interface domain. Splice-prediction algorithms predict no effect on splicing. This variant has not been reported in the literature in individuals affected with ALPL-related conditions (PMID 38884565). The applied ACMG criteria can be viewed at an online resource

Literature cited by the submitters: PubMed 38884565 (cited by Genomenon, Inc and JKU Lab, Dept of Paediatrics, Johannes Kepler University).